The following is an entry in ClinVar:

NM_005612.5(REST):c.2989A>G (p.Met997Val)

Gene: REST (RE1 silencing transcription factor; plus strand). Cytogenetic location: 4q12.
Variant type: single nucleotide variant.
Coding change: c.2989A>G on transcript NM_005612.5 (MANE Select); coding-DNA position 2989, A replaced by G.
Protein change: p.Met997Val; replaces methionine 997 with valine.
Molecular consequence: missense variant.
Genome position (GRCh38, 1-based): chr4:56,931,847, A>G. VCF-style: chr4-56931847-A-G. GRCh37 (hg19) VCF-style: chr4-57798013-A-G.
Other names: c.2989A>G, p.Met997Val (NM_001193508.2, NM_001363453.3); short protein forms M997V.
Identifiers: ClinVar variation 1327569 (VCV001327569.9), dbSNP rs373733071, ClinGen allele CA2932597.

ClinVar aggregate classification (germline): Uncertain significance. Review status: criteria provided, multiple submitters, no conflicts (2 of 4 stars). 3 submissions from 3 submitters: Uncertain significance (3). Last evaluated 2025-06-17.

Conditions:
Inborn genetic diseases. Identifiers: MedGen C0950123, MeSH D030342.
Wilms tumor 6 (WT6). Also called: WILMS TUMOR 6, SUSCEPTIBILITY TO. Identifiers: Orphanet 654, MedGen C3891301, MONDO:0014779, OMIM 616806.

Allele frequency attached by ClinVar (database versions not stated): gnomAD 0.00009 and 0.00011; gnomAD exomes 0.00001 and 0.00004; ExAC 0.00004; ESP Exome Variant Server 0.00008; TOPMed 0.00012.

Submissions (3):

St. Jude Molecular Pathology, St. Jude Children's Research Hospital
Classification: Uncertain significance for Wilms tumor 6. Last evaluated: 2025-06-17. Review status: criteria provided, single submitter. Criteria: St. Jude Assertion Criteria 2020. Collection method: clinical testing. Allele origin: germline.
Comment: The REST c.2989A>G (p.Met997Val) missense change has a maximum subpopulation frequency of 0.016% in gnomAD v2.1.1. The in silico tool REVEL predicts a benign effect on protein function, but to our knowledge this prediction has not been confirmed by functional studies. To our knowledge, this variant has not been reported in individuals with Wilms tumor. In summary, the evidence currently available is insufficient to determine the clinical significance of this variant. It has therefore been classified as of uncertain significance.

Labcorp Genetics (formerly Invitae), Labcorp
Classification: Uncertain significance. Last evaluated: 2024-02-22. Review status: criteria provided, single submitter. Criteria: Invitae Variant Classification Sherloc (09022015). Collection method: clinical testing. Allele origin: germline.
Comment: This sequence change replaces methionine, which is neutral and non-polar, with valine, which is neutral and non-polar, at codon 997 of the REST protein (p.Met997Val). This variant is present in population databases (rs373733071, gnomAD 0.02%). This variant has not been reported in the literature in individuals affected with REST-related conditions. ClinVar contains an entry for this variant (Variation ID: 1327569). Algorithms developed to predict the effect of missense changes on protein structure and function output the following: SIFT: "Not Available"; PolyPhen-2: "Benign"; Align-GVGD: "Not Available". The valine amino acid residue is found in multiple mammalian species, which suggests that this missense change does not adversely affect protein function. In summary, the available evidence is currently insufficient to determine the role of this variant in disease. Therefore, it has been classified as a Variant of Uncertain Significance.

Ambry Genetics
Classification: Uncertain significance for Inborn genetic diseases. Last evaluated: 2023-10-27. Review status: criteria provided, single submitter. Criteria: Ambry Variant Classification Scheme 2023. Collection method: clinical testing. Allele origin: germline.